The following is an entry in ClinVar:

ClinVar aggregate classification (germline): Pathogenic. Review status: criteria provided, multiple submitters, no conflicts (2 of 4 stars). 2 submissions from 2 submitters: Pathogenic (2). Last evaluated 2025-04-17.

Conditions:
Myofibrillar myopathy 5. Also called: Filaminopathy (type); FILAMINOPATHY, AUTOSOMAL DOMINANT. Identifiers: Orphanet 171445, MedGen C1836050, MONDO:0012289, OMIM 609524.
Distal myopathy with posterior leg and anterior hand involvement. Also called: WILLIAMS DISTAL MYOPATHY. Identifiers: Orphanet 63273, MedGen C3279722, MONDO:0013550, OMIM 614065.
Hypertrophic cardiomyopathy 26. Also called: Cardiomyopathy, familial hypertrophic, 26. Identifiers: Orphanet 75249, MedGen C4310749, MONDO:0014883, OMIM 617047.
Cardiovascular phenotype. Identifiers: MedGen CN230736.

Submissions (2):

Ambry Genetics
Classification: Pathogenic for Cardiovascular phenotype. Last evaluated: 2025-04-17. Review status: criteria provided, single submitter. Criteria: Ambry Variant Classification Scheme 2023. Collection method: clinical testing. Allele origin: germline.
Comment: The c.1589_1602del14 pathogenic mutation, located in coding exon 10 of the FLNC gene, results from a deletion of 14 nucleotides at nucleotide positions 1589 to 1602, causing a translational frameshift with a predicted alternate stop codon (p.D530Vfs*28). This variant is considered to be rare based on population cohorts in the Genome Aggregation Database (gnomAD). This alteration is expected to result in loss of function by premature protein truncation or nonsense-mediated mRNA decay. As such, this alteration is interpreted as a disease-causing mutation for FLNC-related dilated cardiomyopathy; however, its clinical significance for FLNC-related hypertrophy/restrictive cardiomyopathy and/or skeletal myopathy is uncertain.

Labcorp Genetics (formerly Invitae), Labcorp
Classification: Pathogenic for Distal myopathy with posterior leg and anterior hand involvement; Myofibrillar myopathy 5; Hypertrophic cardiomyopathy 26. Last evaluated: 2024-11-26. Review status: criteria provided, single submitter. Criteria: Invitae Variant Classification Sherloc (09022015). Collection method: clinical testing. Allele origin: germline.
Comment: This sequence change creates a premature translational stop signal (p.Asp530Valfs*28) in the FLNC gene. It is expected to result in an absent or disrupted protein product. Loss-of-function variants in FLNC are known to be pathogenic (PMID: 27908349). This variant is not present in population databases (gnomAD no frequency). This variant has not been reported in the literature in individuals affected with FLNC-related conditions. ClinVar contains an entry for this variant (Variation ID: 2002800). For these reasons, this variant has been classified as Pathogenic.

Literature cited by the submitters: PubMed 27908349 (cited by Labcorp Genetics (formerly Invitae), Labcorp).

NM_001458.5(FLNC):c.1589_1602del (p.Asp530fs)

Gene: FLNC (filamin C; plus strand). Cytogenetic location: 7q32.1.
Variant type: Deletion.
Coding change: c.1589_1602del on transcript NM_001458.5 (MANE Select); coding-DNA positions 1589 to 1602, 14 bases deleted (ATGGTGTGTTCGAG).
Protein change: p.Asp530fs; shifts the reading frame from aspartic acid 530.
Molecular consequence: frameshift variant.
Genome position (GRCh38, 1-based): chr7:128,840,587-128,840,600, ATGGTGTGTTCGAG deleted; deleting any 14 consecutive bases within chr7:128,840,586-128,840,600 gives the same sequence; the c. name uses the placement nearest the transcript's 3' end. VCF-style (leftmost placement, unchanged base first): chr7-128840585-GGATGGTGTGTTCGA-G. GRCh37 (hg19) VCF-style: chr7-128480639-GGATGGTGTGTTCGA-G.
Other names: c.1589_1602del, p.Asp530fs (NM_001127487.2); c.1589_1602del14 (NM_001458.4); short protein forms D530fs.
Identifiers: ClinVar variation 2002800 (VCV002002800.5), dbSNP rs2536626302, ClinGen allele CA2580076624.